The following is an entry in ClinVar:

ClinVar aggregate classification (germline): Uncertain significance. Review status: criteria provided, multiple submitters, no conflicts (2 of 4 stars). 2 submissions from 2 submitters: Uncertain significance (2). Last evaluated 2025-11-23.

Conditions:
Inborn genetic diseases. Identifiers: MedGen C0950123, MeSH D030342.

gnomAD v4.1: 2 of 1,613,984 alleles (0.00012%); highest among the groups gnomAD compares: Non-Finnish European, 0.00017%; no homozygotes.

Submissions (2):

Labcorp Genetics (formerly Invitae), Labcorp
Classification: Uncertain significance. Last evaluated: 2025-11-23. Review status: criteria provided, single submitter. Criteria: Invitae Variant Classification Sherloc (09022015). Collection method: clinical testing. Allele origin: germline.
Comment: This sequence change replaces arginine, which is basic and polar, with threonine, which is neutral and polar, at codon 1012 of the ANKRD26 protein (p.Arg1012Thr). This variant is not present in population databases (gnomAD no frequency). This variant has not been reported in the literature in individuals affected with ANKRD26-related conditions. ClinVar contains an entry for this variant (Variation ID: 4102430). An algorithm developed to predict the effect of missense changes on protein structure and function (PolyPhen-2) suggests that this variant is likely to be disruptive. In summary, the available evidence is currently insufficient to determine the role of this variant in disease. Therefore, it has been classified as a Variant of Uncertain Significance.

Ambry Genetics
Classification: Uncertain significance for Inborn genetic diseases. Last evaluated: 2025-09-01. Review status: criteria provided, single submitter. Criteria: Ambry Variant Classification Scheme 2023. Collection method: clinical testing. Allele origin: germline.
Comment: The p.R1012T variant (also known as c.3035G>C), located in coding exon 24 of the ANKRD26 gene, results from a G to C substitution at nucleotide position 3035. The arginine at codon 1012 is replaced by threonine, an amino acid with similar properties. This amino acid position is conserved. In addition, this alteration is predicted to be tolerated by in silico analysis. Based on the available evidence, the clinical significance of this variant remains unclear.

NM_014915.3(ANKRD26):c.3035G>C (p.Arg1012Thr)

Gene: ANKRD26 (ankyrin repeat domain 26; minus strand). Cytogenetic location: 10p12.1.
Variant type: single nucleotide variant.
Coding change: c.3035G>C on transcript NM_014915.3 (MANE Select); coding-DNA position 3035, G replaced by C.
Protein change: p.Arg1012Thr; replaces arginine 1012 with threonine.
Molecular consequence: missense variant.
Genome position (GRCh38, 1-based): chr10:27,035,415, C>G on the plus strand (G>C on the coding strand, the complement: ANKRD26 is on the minus strand). VCF-style: chr10-27035415-C-G. GRCh37 (hg19) VCF-style: chr10-27324344-C-G.
Other names: c.3032G>C, p.Arg1011Thr (NM_001256053.2); short protein forms R1011T, R1012T.
Identifiers: ClinVar variation 4102430 (VCV004102430.2).